The following is an entry in ClinVar:

NM_032776.3(JMJD1C):c.2531T>A (p.Leu844His)

Gene: JMJD1C (jumonji domain containing 1C; minus strand). Cytogenetic location: 10q21.3.
Variant type: single nucleotide variant.
Coding change: c.2531T>A on transcript NM_032776.3 (MANE Select); coding-DNA position 2531, T replaced by A.
Protein change: p.Leu844His; replaces leucine 844 with histidine.
Molecular consequence: missense variant. On other transcripts: non-coding transcript variant (1).
Genome position (GRCh38, 1-based): chr10:63,213,636, A>T on the plus strand (T>A on the coding strand, the complement: JMJD1C is on the minus strand). VCF-style: chr10-63213636-A-T. GRCh37 (hg19) VCF-style: chr10-64973396-A-T.
Other names: c.1985T>A, p.Leu662His (NM_001282948.2, NM_001318154.2); c.1667T>A, p.Leu556His (NM_001318153.2); c.2417T>A, p.Leu806His (NM_001322252.2); c.1874T>A, p.Leu625His (NM_001322254.2, NM_001322258.2); short protein forms L556H, L625H, L662H, L844H, L806H.
Identifiers: ClinVar variation 963802 (VCV000963802.10), dbSNP rs760376249, ClinGen allele CA5518620.

ClinVar aggregate classification (germline): Uncertain significance. Review status: criteria provided, multiple submitters, no conflicts (2 of 4 stars). 2 submissions from 2 submitters: Uncertain significance (2). Last evaluated 2025-06-24.

Conditions:
JMJD1C-associated Neurodevelopmental Disorder.
Early Myoclonic Encephalopathy. Identifiers: MedGen C0270855.

Allele frequency attached by ClinVar (database versions not stated): gnomAD 0.00002 and 0.00001; gnomAD exomes 0.00003; ExAC 0.00005; TOPMed 0.00002.
gnomAD v4.1: 44 of 1,614,118 alleles (0.0027%); highest among the groups gnomAD compares: Admixed American, 0.013%; no homozygotes.

Submissions (2):

Labcorp Genetics (formerly Invitae), Labcorp
Classification: Uncertain significance for Early Myoclonic Encephalopathy. Last evaluated: 2025-06-24. Review status: criteria provided, single submitter. Criteria: Invitae Variant Classification Sherloc (09022015). Collection method: clinical testing. Allele origin: germline.
Comment: This sequence change replaces leucine, which is neutral and non-polar, with histidine, which is basic and polar, at codon 844 of the JMJD1C protein (p.Leu844His). This variant is present in population databases (rs760376249, gnomAD 0.01%). This variant has not been reported in the literature in individuals affected with JMJD1C-related conditions. ClinVar contains an entry for this variant (Variation ID: 963802). Invitae Evidence Modeling of protein sequence and biophysical properties (such as structural, functional, and spatial information, amino acid conservation, physicochemical variation, residue mobility, and thermodynamic stability) indicates that this missense variant is expected to disrupt JMJD1C protein function with a positive predictive value of 80%. In summary, the available evidence is currently insufficient to determine the role of this variant in disease. Therefore, it has been classified as a Variant of Uncertain Significance.

New York Genome Center
Classification: Uncertain significance for JMJD1C-associated Neurodevelopmental Disorder. Last evaluated: 2021-04-09. Review status: criteria provided, single submitter. Criteria: NYGC Assertion Criteria 2020. Collection method: clinical testing. Allele origin: inherited. Observed: 1 heterozygote. Study: CSER-NYCKidSeq.